The following is an entry in ClinVar:

NM_002439.5(MSH3):c.476_477del (p.Arg159fs)

Gene: MSH3 (mutS homolog 3; plus strand). Cytogenetic location: 5q14.1.
Variant type: Microsatellite.
Coding change: c.476_477del on transcript NM_002439.5 (MANE Select); coding-DNA positions 476 to 477, 2 bases deleted (GA; older notation c.476_477delGA).
Protein change: p.Arg159fs; shifts the reading frame from arginine 159.
Molecular consequence: frameshift variant.
Genome position (GRCh38, 1-based): chr5:80,665,260-80,665,261, GA deleted; deleting any 2 consecutive bases within chr5:80,665,256-80,665,261 gives the same sequence; the c. name uses the placement nearest the transcript's 3' end. VCF-style (leftmost placement, unchanged base first): chr5-80665255-GGA-G. GRCh37 (hg19) VCF-style: chr5-79961074-GGA-G.
Other names: short protein forms R159fs.
Identifiers: ClinVar variation 2673522 (VCV002673522.2), dbSNP rs2546717479, ClinGen allele CA2695198643.
Genomic context (GRCh38, chr5:80,665,255, plus strand): 5'-GAAAGAATTCTGCTGCGATTCTGCCCTTCCTCAAAGTAGAGTCCAGACAGAATCTCTGCA[GGA>G]GAGATTTGCAGTTCTGCCAAAATGTACTGATTTTGATGATATCAGTCTTCTACACGCAAA-3'

ClinVar aggregate classification (germline): Pathogenic. Review status: criteria provided, multiple submitters, no conflicts (2 of 4 stars). 2 submissions from 2 submitters: Pathogenic (2). Last evaluated 2025-11-12.

Conditions:
Familial adenomatous polyposis 4 (FAP4). Also called: MSH3-related attenuated familial adenomatous polyposis. Identifiers: Orphanet 480536, MedGen C4310719, MONDO:0044300, OMIM 617100.

Submissions (2):

Labcorp Genetics (formerly Invitae), Labcorp
Classification: Pathogenic. Last evaluated: 2025-11-12. Review status: criteria provided, single submitter. Criteria: Invitae Variant Classification Sherloc (09022015). Collection method: clinical testing. Allele origin: germline.
Comment: This sequence change creates a premature translational stop signal (p.Arg159Ilefs*9) in the MSH3 gene. It is expected to result in an absent or disrupted protein product. Loss-of-function variants in MSH3 are known to be pathogenic (PMID: 27476653, 37402566). This variant is not present in population databases (gnomAD no frequency). This variant has not been reported in the literature in individuals affected with MSH3-related conditions. For these reasons, this variant has been classified as Pathogenic.

Myriad Genetics, Inc.
Classification: Pathogenic for Familial adenomatous polyposis 4. Last evaluated: 2023-08-29. Review status: criteria provided, single submitter. Criteria: Myriad Autosomal Dominant, Autosomal Recessive and X-Linked Classification Criteria (2023). Collection method: clinical testing. Allele origin: unknown.
Comment: This variant is considered pathogenic. This variant creates a frameshift predicted to result in premature protein truncation.

Literature cited by the submitters: PubMed 27476653 (cited by Labcorp Genetics (formerly Invitae), Labcorp); PubMed 37402566 (cited by Labcorp Genetics (formerly Invitae), Labcorp).